The following is an entry in ClinVar:

NM_005476.7(GNE):c.1816+3_1816+6del

Gene: GNE (glucosamine (UDP-N-acetyl)-2-epimerase/N-acetylmannosamine kinase; minus strand). Cytogenetic location: 9p13.3.
Variant type: Microsatellite.
Coding change: c.1816+3_1816+6del on transcript NM_005476.7 (MANE Select); bases 3 to 6 of the intron after coding-DNA position 1816, 4 bases deleted (TGGT; older notation c.1816+3_1816+6delTGGT).
Molecular consequence: splice donor variant.
Genome position (GRCh38, 1-based): chr9:36,219,832-36,219,835, ACCA deleted on the plus strand (TGGT on the coding strand, the reverse complement: GNE is on the minus strand); deleting any 4 consecutive bases within chr9:36,219,832-36,219,839 gives the same sequence; the c. name uses the placement nearest the transcript's 3' end. VCF-style (leftmost placement, unchanged base first): chr9-36219831-CACCA-C. GRCh37 (hg19) VCF-style: chr9-36219828-CACCA-C.
Other names: c.1639+3_1639+6del (NM_001190388.2, NM_001374798.1); c.1909+3_1909+6del (NM_001128227.3); c.1486+3_1486+6del (NM_001190384.3); c.1663+3_1663+6del (NM_001374797.1); c.1594+3_1594+6del (NM_001190383.3).
Identifiers: ClinVar variation 856968 (VCV000856968.1), dbSNP rs1828502461, ClinGen allele CA916083045.

ClinVar aggregate classification (germline): Uncertain significance (1 of 4 stars; one submission).

Conditions:
Sialuria. Also called: SIALURIA, FRENCH TYPE; Sialic Acid Storage Disease. Identifiers: Orphanet 3166, MedGen C0342853, MONDO:0010028, OMIM 269921.
GNE myopathy (NM). Also called: INCLUSION BODY MYOPATHY, HEREDITARY, AUTOSOMAL RECESSIVE; INCLUSION BODY MYOPATHY 2, AUTOSOMAL RECESSIVE; MYOPATHY, DISTAL, WITH OR WITHOUT RIMMED VACUOLES; Inclusion body myopathy autosomal recessive; Inclusion body myopathy quadriceps sparing; NONAKA DISTAL MYOPATHY. Identifiers: Orphanet 602, MedGen C1853926, MONDO:0011603, OMIM 605820.

Submission:

Labcorp Genetics (formerly Invitae), Labcorp
Classification: Uncertain significance for Sialuria; Inclusion body myopathy autosomal recessive. Last evaluated: 2019-11-20. Review status: criteria provided, single submitter. Criteria: Invitae Variant Classification Sherloc (09022015). Collection method: clinical testing. Allele origin: germline.
Comment: This sequence change falls in intron 10 of the GNE gene. It does not directly change the encoded amino acid sequence of the GNE protein, but it affects a nucleotide within the consensus splice site of the intron. This variant is not present in population databases (ExAC no frequency). This variant has not been reported in the literature in individuals with GNE-related conditions. Nucleotide substitutions within the consensus splice site are a relatively common cause of aberrant splicing (PMID: 17576681, 9536098). Algorithms developed to predict the effect of sequence changes on RNA splicing suggest that this variant may disrupt the consensus splice site, but this prediction has not been confirmed by published transcriptional studies. In summary, the available evidence is currently insufficient to determine the role of this variant in disease. Therefore, it has been classified as a Variant of Uncertain Significance.